The following is an entry in ClinVar:

ClinVar aggregate classification (germline): Conflicting classifications of pathogenicity. Review status: criteria provided, conflicting classifications (1 of 4 stars). 2 submissions from 2 submitters: Uncertain significance (1); Benign (1). Last evaluated 2026-01-19.

Conditions:
TRRAP-related disorder. Also called: TRRAP-related condition.

Allele frequency attached by ClinVar (database versions not stated): ExAC 0.00002; TOPMed 0.00004.
gnomAD v4.1: 63 of 1,614,122 alleles (0.0039%); highest among the groups gnomAD compares: Non-Finnish European, 0.0047%; no homozygotes.

Submissions (2):

Labcorp Genetics (formerly Invitae), Labcorp
Classification: Benign. Last evaluated: 2026-01-19. Review status: criteria provided, single submitter. Criteria: Invitae Variant Classification Sherloc (09022015). Collection method: clinical testing. Allele origin: germline.

PreventionGenetics, part of Exact Sciences
Classification: Uncertain significance for TRRAP-related condition. Last evaluated: 2025-11-21. Review status: criteria provided, single submitter. Criteria: ACMG Guidelines, 2015. Collection method: clinical testing. Allele origin: germline.
Comment: The TRRAP c.6580G>A variant is predicted to result in the amino acid substitution p.Val2194Ile. To our knowledge, this variant has not been reported in the literature. This variant is reported in 0.0065% of alleles in individuals of South Asian descent in gnomAD. At this time, the clinical significance of this variant is uncertain due to the absence of conclusive functional and genetic evidence.

NM_001375524.1(TRRAP):c.6655G>A (p.Val2219Ile)

Gene: TRRAP (transformation/transcription domain associated protein; plus strand). Cytogenetic location: 7q22.1.
Variant type: single nucleotide variant.
Coding change: c.6655G>A on transcript NM_001375524.1 (MANE Select); coding-DNA position 6655, G replaced by A.
Protein change: p.Val2219Ile; replaces valine 2219 with isoleucine.
Molecular consequence: missense variant.
Genome position (GRCh38, 1-based): chr7:98,961,426, G>A. VCF-style: chr7-98961426-G-A. GRCh37 (hg19) VCF-style: chr7-98559049-G-A.
Other names: c.6580G>A (NM_003496.3); c.6634G>A, p.Val2212Ile (NM_001244580.2); c.6580G>A, p.Val2194Ile (NM_003496.4); short protein forms V2219I, V2194I, V2212I.
Identifiers: ClinVar variation 2047128 (VCV002047128.5), dbSNP rs766810962, ClinGen allele CA4360925.